The following is an entry in ClinVar:

ClinVar aggregate classification (germline): Uncertain significance. Review status: criteria provided, multiple submitters, no conflicts (2 of 4 stars). 3 submissions from 3 submitters: Uncertain significance (3). Last evaluated 2026-05-14.

Conditions:
Hereditary cancer-predisposing syndrome. Also called: Tumor predisposition; Hereditary neoplastic syndrome; Neoplastic Syndromes, Hereditary; Hereditary Cancer Syndrome. Identifiers: Orphanet 140162, MedGen C0027672, MeSH D009386, MONDO:0015356.
Tuberous sclerosis 1 (TSC1). Identifiers: Orphanet 805, MedGen C1854465, MONDO:0008612, OMIM 191100.

Allele frequency attached by ClinVar (database versions not stated): gnomAD exomes below 0.00001.

Submissions (3):

Ambry Genetics
Classification: Uncertain significance for Hereditary cancer-predisposing syndrome. Last evaluated: 2026-05-14. Review status: criteria provided, single submitter. Criteria: Ambry Variant Classification Scheme 2023. Collection method: clinical testing. Allele origin: germline.
Comment: The p.F619V variant (also known as c.1855T>G), located in coding exon 13 of the TSC1 gene, results from a T to G substitution at nucleotide position 1855. The phenylalanine at codon 619 is replaced by valine, an amino acid with highly similar properties. This amino acid position is highly conserved in available vertebrate species. In addition, this alteration is predicted to be deleterious by in silico analysis. Based on the available evidence, the clinical significance of this variant remains unclear.

Labcorp Genetics (formerly Invitae), Labcorp
Classification: Uncertain significance for Tuberous sclerosis 1. Last evaluated: 2025-08-06. Review status: criteria provided, single submitter. Criteria: Invitae Variant Classification Sherloc (09022015). Collection method: clinical testing. Allele origin: germline.
Comment: This sequence change replaces phenylalanine, which is neutral and non-polar, with valine, which is neutral and non-polar, at codon 619 of the TSC1 protein (p.Phe619Val). This variant is not present in population databases (gnomAD no frequency). This variant has not been reported in the literature in individuals affected with TSC1-related conditions. ClinVar contains an entry for this variant (Variation ID: 534430). Invitae Evidence Modeling of protein sequence and biophysical properties (such as structural, functional, and spatial information, amino acid conservation, physicochemical variation, residue mobility, and thermodynamic stability) indicates that this missense variant is not expected to disrupt TSC1 protein function with a negative predictive value of 95%. In summary, the available evidence is currently insufficient to determine the role of this variant in disease. Therefore, it has been classified as a Variant of Uncertain Significance.

Genome-Nilou Lab
Classification: Uncertain significance for Tuberous sclerosis 1. Last evaluated: 2021-11-07. Review status: criteria provided, single submitter. Criteria: ACMG Guidelines, 2015. Collection method: clinical testing. Allele origin: germline. Affected: no.

NM_000368.5(TSC1):c.1855T>G (p.Phe619Val)

Gene: TSC1 (TSC complex subunit 1; minus strand). Cytogenetic location: 9q34.13.
Variant type: single nucleotide variant.
Coding change: c.1855T>G on transcript NM_000368.5 (MANE Select); coding-DNA position 1855, T replaced by G.
Protein change: p.Phe619Val; replaces phenylalanine 619 with valine.
Molecular consequence: missense variant.
Genome position (GRCh38, 1-based): chr9:132,905,723, A>C on the plus strand (T>G on the coding strand, the complement: TSC1 is on the minus strand). VCF-style: chr9-132905723-A-C. GRCh37 (hg19) VCF-style: chr9-135781110-A-C.
Other names: c.1852T>G, p.Phe618Val (NM_001162426.2); c.1702T>G, p.Phe568Val (NM_001162427.2); c.1492T>G, p.Phe498Val (NM_001362177.2); short protein forms F619V, F498V, F568V, F618V.
Identifiers: ClinVar variation 534430 (VCV000534430.15), dbSNP rs1554815776, ClinGen allele CA375363120.